The following is an entry in ClinVar:

NM_001844.5(COL2A1):c.1528-62C>T

Gene: COL2A1 (collagen type II alpha 1 chain; minus strand). Cytogenetic location: 12q13.11.
Variant type: single nucleotide variant.
Coding change: c.1528-62C>T on transcript NM_001844.5 (MANE Select); 62 bases into the intron before coding-DNA position 1528, C replaced by T.
Molecular consequence: intron variant.
Genome position (GRCh38, 1-based): chr12:47,986,027, G>A on the plus strand (C>T on the coding strand, the complement: COL2A1 is on the minus strand). VCF-style: chr12-47986027-G-A. GRCh37 (hg19) VCF-style: chr12-48379810-G-A.
Other names: c.1321-62C>T (NM_033150.3).
Identifiers: ClinVar variation 674837 (VCV000674837.2), dbSNP rs3829734, ClinGen allele CA13758483.
Genomic context (GRCh38, chr12:47,986,027, plus strand): 5'-TAAGGAGCCACAGGGAGGAGAGGCAGTGAGTGAGAACAGCCCCAACCCAGCCAGGCTCCA[G>A]TGGGTCCATCCCACTAACCCACCAACCCCAATTTCTGGGGAGCAGTAGCTGTGGCCTGCA-3'

ClinVar aggregate classification (germline): Benign. Review status: criteria provided, multiple submitters, no conflicts (2 of 4 stars). 2 submissions from 2 submitters: Benign (2). Last evaluated 2018-06-18.

Allele frequency attached by ClinVar (database versions not stated): gnomAD exomes 0.31832; ESP Exome Variant Server 0.34625; gnomAD 0.35902 and 0.35925; TOPMed 0.35923; 1000 Genomes Project 30x 0.38866; 1000 Genomes Project 0.38958.
gnomAD v4.1: 482,478 of 1,494,046 alleles (32%); highest among the groups gnomAD compares: East Asian, 54%; 80,693 homozygotes.

Submissions (2):

GeneDx
Classification: Benign. Last evaluated: 2018-06-18. Review status: criteria provided, single submitter. Criteria: GeneDx Variant Classification (06012015). Collection method: clinical testing. Allele origin: germline. Affected: yes.
Comment: This variant is considered likely benign or benign based on one or more of the following criteria: it is a conservative change, it occurs at a poorly conserved position in the protein, it is predicted to be benign by multiple in silico algorithms, and/or has population frequency not consistent with disease.

Breakthrough Genomics
Classification: Benign. Review status: criteria provided, single submitter. Criteria: ACMG Guidelines, 2015. Collection method: not provided. Allele origin: germline. Inheritance: Autosomal dominant inheritance. Affected: yes.